The following is an entry in ClinVar:

NM_001042492.3(NF1):c.2267A>C (p.Gln756Pro)

Gene: NF1 (neurofibromin 1; plus strand). Cytogenetic location: 17q11.2.
Variant type: single nucleotide variant.
Coding change: c.2267A>C on transcript NM_001042492.3 (MANE Select); coding-DNA position 2267, A replaced by C.
Protein change: p.Gln756Pro; replaces glutamine 756 with proline.
Molecular consequence: missense variant.
Genome position (GRCh38, 1-based): chr17:31,227,233, A>C. VCF-style: chr17-31227233-A-C. GRCh37 (hg19) VCF-style: chr17-29554251-A-C.
Other names: c.2267A>C, p.Gln756Pro (NM_000267.4); short protein forms Q756P.
Identifiers: ClinVar variation 1907871 (VCV001907871.5), dbSNP rs1222770265, ClinGen allele CA398982715.

ClinVar aggregate classification (germline): Uncertain significance (1 of 4 stars; one submission).

Conditions:
Neurofibromatosis, type 1 (NF1). Also called: Peripheral type neurofibromatosis; Neurofibromatosis, type I; VON RECKLINGHAUSEN DISEASE; NEUROFIBROMATOSIS, TYPE I, SOMATIC. Identifiers: Orphanet 636, MedGen C0027831, MONDO:0018975, OMIM 162200. Disease mechanism: loss of function.

Submission:

Labcorp Genetics (formerly Invitae), Labcorp
Classification: Uncertain significance for Neurofibromatosis, type 1. Last evaluated: 2025-11-05. Review status: criteria provided, single submitter. Criteria: Invitae Variant Classification Sherloc (09022015). Collection method: clinical testing. Allele origin: germline.
Comment: This sequence change replaces glutamine, which is neutral and polar, with proline, which is neutral and non-polar, at codon 756 of the NF1 protein (p.Gln756Pro). This variant is not present in population databases (gnomAD no frequency). This variant has not been reported in the literature in individuals affected with NF1-related conditions. ClinVar contains an entry for this variant (Variation ID: 1907871). Invitae Evidence Modeling of protein sequence and biophysical properties (such as structural, functional, and spatial information, amino acid conservation, physicochemical variation, residue mobility, and thermodynamic stability) indicates that this missense variant is expected to disrupt NF1 protein function with a positive predictive value of 95%. In summary, the available evidence is currently insufficient to determine the role of this variant in disease. Therefore, it has been classified as a Variant of Uncertain Significance.